The following is an entry in ClinVar:

NM_032601.4(MCEE):c.379-644A>G

Gene: MCEE (methylmalonyl-CoA epimerase; minus strand). Cytogenetic location: 2p13.3.
Variant type: single nucleotide variant.
Coding change: c.379-644A>G on transcript NM_032601.4 (MANE Select); 644 bases into the intron before coding-DNA position 379, A replaced by G.
Molecular consequence: intron variant.
Genome position (GRCh38, 1-based): chr2:71,110,766, T>C on the plus strand (A>G on the coding strand, the complement: MCEE is on the minus strand). VCF-style: chr2-71110766-T-C. GRCh37 (hg19) VCF-style: chr2-71337896-T-C.
Identifiers: ClinVar variation 2443797 (VCV002443797.6), dbSNP rs1321542648, ClinGen allele CA892631472.
Genomic context (GRCh38, chr2:71,110,766, plus strand): 5'-ATTTCAAACTTTAATGTTTTTGCAGCCTCTTCTAAGTTATTTCTATTTTCTTCATACTTA[T>C]GGACACTCTAGGAGGAGCAGATGTGTCTCTCTATACTTGACGGAGAAATGATCTGCCTCT-3'

ClinVar aggregate classification (germline): Likely pathogenic. Review status: criteria provided, multiple submitters, no conflicts (2 of 4 stars). 4 submissions from 4 submitters: Likely pathogenic (3). 1 of the submissions does not count toward it. Last evaluated 2025-10-07.

Conditions:
Methylmalonic acidemia due to methylmalonyl-CoA epimerase deficiency. Also called: METHYLMALONYL-CoA RACEMASE DEFICIENCY; METHYLMALONIC ACIDURIA III; Methylmalonyl-CoA Epimerase Deficiency. Identifiers: Orphanet 308425, MedGen C1855100, MONDO:0009615, OMIM 251120.
Methylmalonic acidemia (MMA). Also called: Isolated Methylmalonic Acidemia. Identifiers: MedGen C0268583, MeSH C537358, MONDO:0002012, HP:0002912.
MCEE-related disorders.

Allele frequency attached by ClinVar (database versions not stated): TOPMed 0.00001.

Submissions (4):

Women's Health and Genetics/Laboratory Corporation of America, LabCorp
Classification: Likely pathogenic for Methylmalonic acidemia. Last evaluated: 2025-10-07. Review status: criteria provided, single submitter. Criteria: LabCorp Variant Classification Summary - May 2015. Collection method: clinical testing. Allele origin: germline.
Comment: Variant summary: MCEE c.379-644A>G is located at a position not widely known to affect splicing. Several computational tools predict a significant impact on normal splicing: Three predict the variant creates a 5' donor site. At least one publication reports experimental evidence that this variant affects mRNA splicing causing the inclusion of intronic sequence (Waters_2016). The variant was absent in 31406 control chromosomes. c.379-644A>G has been observed in a compound heterozygous individual affected with Methylmalonic Acidemia (Waters_2016). The following publication have been ascertained in the context of this evaluation (PMID: 27699154). ClinVar contains an entry for this variant (Variation ID: 2443797). Based on the evidence outlined above, the variant was classified as likely pathogenic.

Labcorp Genetics (formerly Invitae), Labcorp
Classification: Likely pathogenic for Methylmalonic acidemia due to methylmalonyl-CoA epimerase deficiency. Last evaluated: 2024-01-12. Review status: criteria provided, single submitter. Criteria: Invitae Variant Classification Sherloc (09022015). Collection method: clinical testing. Allele origin: germline.
Comment: This sequence change falls in intron 2 of the MCEE gene. It does not directly change the encoded amino acid sequence of the MCEE protein. RNA analysis indicates that this variant induces altered splicing and likely disrupts the C-terminus of the protein. This variant is not present in population databases (gnomAD no frequency). This variant has been observed in individual(s) with methylmalonyl-CoA epimerase deficiency (PMID: 27699154; Invitae). In at least one individual the data is consistent with being in trans (on the opposite chromosome) from a pathogenic variant. ClinVar contains an entry for this variant (Variation ID: 2443797). Studies have shown that this variant results in activation of a cryptic splice site and introduces a new termination codon (PMID: 27699154). However the mRNA is not expected to undergo nonsense-mediated decay. In summary, the currently available evidence indicates that the variant is pathogenic, but additional data are needed to prove that conclusively. Therefore, this variant has been classified as Likely Pathogenic.

Blueprint Genetics
Classification: Likely pathogenic for MCEE-related disorders. Last evaluated: 2023-02-03. Review status: criteria provided, single submitter. Criteria: ACMG Guidelines, 2015. Collection method: clinical testing. Allele origin: germline. Affected: yes. Observed: 4 variant alleles.

OMIM
Classification: Pathogenic for METHYLMALONYL-CoA EPIMERASE DEFICIENCY. Last evaluated: 2023-02-02. Review status: no assertion criteria provided. Collection method: literature only. Allele origin: germline. Not counted in ClinVar's aggregate classification.

Literature cited by the submitters: PubMed 27699154 (cited by 3 submitters).